The following is an entry in ClinVar:

ClinVar aggregate classification (germline): Uncertain significance. Review status: criteria provided, multiple submitters, no conflicts (2 of 4 stars). 2 submissions from 2 submitters: Uncertain significance (2). Last evaluated 2024-04-26.

Conditions:
Hereditary cancer-predisposing syndrome. Also called: Hereditary neoplastic syndrome; Neoplastic Syndromes, Hereditary; Tumor predisposition; Hereditary Cancer Syndrome. Identifiers: Orphanet 140162, MedGen C0027672, MeSH D009386, MONDO:0015356.
Familial cancer of breast. Also called: Hereditary breast cancer; hereditary breast carcinoma; BREAST CANCER, FAMILIAL. Identifiers: Orphanet 227535, MedGen C0346153, MONDO:0016419, OMIM 114480. Disease mechanism: loss of function.

gnomAD v4.1: 2 of 1,614,146 alleles (0.00012%); highest among the groups gnomAD compares: Non-Finnish European, 0.00017%; no homozygotes.

Submissions (2):

Ambry Genetics
Classification: Uncertain significance for Hereditary cancer-predisposing syndrome. Last evaluated: 2024-04-26. Review status: criteria provided, single submitter. Criteria: Ambry Variant Classification Scheme 2023. Collection method: clinical testing. Allele origin: germline.
Comment: The p.N2282T variant (also known as c.6845A>C), located in coding exon 46 of the ATM gene, results from an A to C substitution at nucleotide position 6845. The asparagine at codon 2282 is replaced by threonine, an amino acid with similar properties. This amino acid position is conserved. In addition, this alteration is predicted to be tolerated by in silico analysis. Since supporting evidence is limited at this time, the clinical significance of this alteration remains unclear.

Baylor Genetics
Classification: Uncertain significance for Familial cancer of breast. Last evaluated: 2023-09-13. Review status: criteria provided, single submitter. Criteria: ACMG Guidelines, 2015. Collection method: clinical testing. Allele origin: unknown.

NM_000051.4(ATM):c.6845A>C (p.Asn2282Thr)

Genes: C11orf65 (chromosome 11 open reading frame 65; minus strand), ATM (ATM serine/threonine kinase; plus strand). Cytogenetic location: 11q22.3.
Variant type: single nucleotide variant.
Coding change: c.6845A>C on transcript NM_000051.4 (MANE Select); coding-DNA position 6845, A replaced by C.
Protein change: p.Asn2282Thr; replaces asparagine 2282 with threonine.
Molecular consequence: missense variant. On other transcripts: intron variant (2).
Genome position (GRCh38, 1-based): chr11:108,326,095, A>C. VCF-style: chr11-108326095-A-C. GRCh37 (hg19) VCF-style: chr11-108196822-A-C.
Other names: c.6845A>C, p.Asn2282Thr (NM_001351834.2); c.641-17024T>G (NM_001330368.2); c.*38+9125T>G (NM_001351110.2); short protein forms N2282T.
Identifiers: ClinVar variation 1755753 (VCV001755753.4), dbSNP rs863224579, ClinGen allele CA382556653.